The following is an entry in ClinVar:

ClinVar aggregate classification (germline): Likely pathogenic (1 of 4 stars; one submission).

Conditions:
Intellectual developmental disorder, X-linked, syndromic 14. Also called: Syndromic X-linked intellectual disability 14. Identifiers: Orphanet 776, MedGen C1970822, MONDO:0010398, OMIM 300676.

Submission:

Institute of Human Genetics, University of Leipzig Medical Center
Classification: Likely pathogenic for Intellectual developmental disorder, X-linked, syndromic 14. Last evaluated: 2025-09-17. Review status: criteria provided, single submitter. Criteria: ACMG Guidelines, 2015. Collection method: clinical testing. Allele origin: de novo. Inheritance: X-linked recessive inheritance. Affected: yes.
Comment: Criteria applied: PVS1_STR,PS2_MOD,PM2

NM_080632.3(UPF3B):c.1265_1266del (p.Lys422fs)

Gene: UPF3B (UPF3B regulator of nonsense mediated mRNA decay; minus strand). Cytogenetic location: Xq24.
Variant type: Deletion.
Coding change: c.1265_1266del on transcript NM_080632.3 (MANE Select); coding-DNA positions 1265 to 1266, 2 bases deleted (AA; older notation c.1265_1266delAA).
Protein change: p.Lys422fs; shifts the reading frame from lysine 422.
Molecular consequence: frameshift variant.
Genome position (GRCh38, 1-based): chrX:119,837,793-119,837,794, TT deleted on the plus strand (AA on the coding strand, the reverse complement: UPF3B is on the minus strand); deleting any 2 consecutive bases within chrX:119,837,793-119,837,795 gives the same sequence; the c. name uses the placement nearest the transcript's 3' end. VCF-style (leftmost placement, unchanged base first): chrX-119837792-CTT-C. GRCh37 (hg19) VCF-style: chrX-118971755-CTT-C.
Other names: c.1226_1227del, p.Lys409fs (NM_023010.4); short protein forms K409fs, K422fs.
Identifiers: ClinVar variation 4291127 (VCV004291127.1).
Genomic context (GRCh38, chrX:119,837,792, plus strand): 5'-AAACAAGTTTAATGACAAGCAGCACCTTGTTTCTTATTCGATCTCTCTTGACCACTTCTT[CTT>C]TCTTTTCAGTTTTTTCTGAGCTGCCTATTGATTCTGTACTTTCAGCCTTCTTTCCTTTAT-3'